The following is an entry in ClinVar:

ClinVar aggregate classification (germline): Uncertain significance (1 of 4 stars; one submission).

Conditions:
Neuropathy, hereditary sensory and autonomic, type 2A (HSAN2A). Also called: ACROOSTEOLYSIS, GIACCAI TYPE; ACROOSTEOLYSIS, NEUROGENIC; MORVAN DISEASE; NEUROPATHY, CONGENITAL SENSORY; NEUROPATHY, HEREDITARY SENSORY RADICULAR, AUTOSOMAL RECESSIVE; NEUROPATHY, HEREDITARY SENSORY, TYPE IIA. Identifiers: Orphanet 970, MedGen C2752089, MONDO:0024309, OMIM 201300.
Generalized epilepsy with febrile seizures plus, type 7 (GEFSP7). Also called: GEFS+, TYPE 7. Identifiers: Orphanet 36387, MedGen C2751778, MONDO:0013470, OMIM 613863.

gnomAD v4.1: 2 of 1,613,970 alleles (0.00012%); highest among the groups gnomAD compares: South Asian, 0.0022%; no homozygotes.

Submission:

Labcorp Genetics (formerly Invitae), Labcorp
Classification: Uncertain significance for Neuropathy, hereditary sensory and autonomic, type 2A; Generalized epilepsy with febrile seizures plus, type 7. Last evaluated: 2022-11-22. Review status: criteria provided, single submitter. Criteria: Invitae Variant Classification Sherloc (09022015). Collection method: clinical testing. Allele origin: germline.
Comment: This variant is not present in population databases (gnomAD no frequency). In summary, the available evidence is currently insufficient to determine the role of this variant in disease. Therefore, it has been classified as a Variant of Uncertain Significance. Advanced modeling of protein sequence and biophysical properties (such as structural, functional, and spatial information, amino acid conservation, physicochemical variation, residue mobility, and thermodynamic stability) performed at Invitae indicates that this missense variant is not expected to disrupt SCN9A protein function. ClinVar contains an entry for this variant (Variation ID: 579647). This variant has not been reported in the literature in individuals affected with SCN9A-related conditions. This sequence change replaces lysine, which is basic and polar, with glutamic acid, which is acidic and polar, at codon 494 of the SCN9A protein (p.Lys494Glu).

NM_001365536.1(SCN9A):c.1480A>G (p.Lys494Glu)

Genes: SCN1A-AS1 (SCN1A and SCN9A antisense RNA 1; plus strand), SCN9A (sodium voltage-gated channel alpha subunit 9; minus strand). Cytogenetic location: 2q24.3.
Variant type: single nucleotide variant.
Coding change: c.1480A>G on transcript NM_001365536.1 (MANE Select); coding-DNA position 1480, A replaced by G.
Protein change: p.Lys494Glu; replaces lysine 494 with glutamic acid.
Molecular consequence: missense variant.
Genome position (GRCh38, 1-based): chr2:166,286,458, T>C on the plus strand (A>G on the coding strand, the complement: SCN9A is on the minus strand). VCF-style: chr2-166286458-T-C. GRCh37 (hg19) VCF-style: chr2-167142968-T-C.
Other names: c.1480A>G, p.Lys494Glu (NM_002977.4); short protein forms K494E.
Identifiers: ClinVar variation 579647 (VCV000579647.9), dbSNP rs1553490377, ClinGen allele CA349084647.